The following is an entry in ClinVar:

ClinVar aggregate classification (germline): Uncertain significance (1 of 4 stars; one submission).

Submission:

GeneDx
Classification: Uncertain significance. Last evaluated: 2019-04-19. Review status: criteria provided, single submitter. Criteria: GeneDx Variant Classification Process June 2021. Collection method: clinical testing. Allele origin: germline. Affected: yes.
Comment: Not observed in large population cohorts (Lek et al., 2016); Has not been previously published as pathogenic or benign to our knowledge

NM_001267550.2(TTN):c.62449A>G (p.Arg20817Gly)

Genes: TTN (titin; minus strand), TTN-AS1 (TTN antisense RNA 1; plus strand). Cytogenetic location: 2q31.2.
Variant type: single nucleotide variant.
Coding change: c.62449A>G on transcript NM_001267550.2 (MANE Select); coding-DNA position 62449, A replaced by G.
Protein change: p.Arg20817Gly; replaces arginine 20817 with glycine.
Molecular consequence: missense variant.
Genome position (GRCh38, 1-based): chr2:178,589,276, T>C on the plus strand (A>G on the coding strand, the complement: TTN is on the minus strand). VCF-style: chr2-178589276-T-C. GRCh37 (hg19) VCF-style: chr2-179454003-T-C.
Other names: c.57526A>G, p.Arg19176Gly (NM_001256850.1); c.35254A>G, p.Arg11752Gly (NM_003319.4); c.54745A>G, p.Arg18249Gly (NM_133378.4); c.35629A>G, p.Arg11877Gly (NM_133432.3); c.35830A>G, p.Arg11944Gly (NM_133437.4); short protein forms R11752G, R11877G, R11944G, R18249G, R19176G, R20817G.
Identifiers: ClinVar variation 1304718 (VCV001304718.2), dbSNP rs2154183678, ClinGen allele CA349464777.